The following is an entry in ClinVar:

ClinVar aggregate classification (germline): Uncertain significance (1 of 4 stars; one submission).

Submission:

GeneDx
Classification: Uncertain significance. Last evaluated: 2025-06-11. Review status: criteria provided, single submitter. Criteria: GeneDx Variant Classification Process June 2021. Collection method: clinical testing. Allele origin: germline. Affected: yes.
Comment: Not observed at significant frequency in large population cohorts (gnomAD); In silico analysis suggests that this missense variant does not alter protein structure/function; Has not been previously published as pathogenic or benign to our knowledge

NM_003128.3(SPTBN1):c.4279A>C (p.Asn1427His)

Gene: SPTBN1 (spectrin beta, non-erythrocytic 1; plus strand). Cytogenetic location: 2p16.2.
Variant type: single nucleotide variant.
Coding change: c.4279A>C on transcript NM_003128.3 (MANE Select); coding-DNA position 4279, A replaced by C.
Protein change: p.Asn1427His; replaces asparagine 1427 with histidine.
Molecular consequence: missense variant.
Genome position (GRCh38, 1-based): chr2:54,645,238, A>C. VCF-style: chr2-54645238-A-C. GRCh37 (hg19) VCF-style: chr2-54872375-A-C.
Other names: c.4240A>C, p.Asn1414His (NM_178313.3); short protein forms N1414H, N1427H.
Identifiers: ClinVar variation 4537561 (VCV004537561.1).